The following is an entry in ClinVar:

ClinVar aggregate classification (germline): Uncertain significance (1 of 4 stars; one submission).

Submission:

Labcorp Genetics (formerly Invitae), Labcorp
Classification: Uncertain significance. Last evaluated: 2023-10-27. Review status: criteria provided, single submitter. Criteria: Invitae Variant Classification Sherloc (09022015). Collection method: clinical testing. Allele origin: germline.
Comment: This sequence change replaces lysine, which is basic and polar, with asparagine, which is neutral and polar, at codon 638 of the COMP protein (p.Lys638Asn). This variant also falls at the last nucleotide of exon 16, which is part of the consensus splice site for this exon. This variant is not present in population databases (gnomAD no frequency). This variant has not been reported in the literature in individuals affected with COMP-related conditions. An algorithm developed to predict the effect of missense changes on protein structure and function (PolyPhen-2) suggests that this variant is likely to be disruptive. Variants that disrupt the consensus splice site are a relatively common cause of aberrant splicing (PMID: 17576681, 9536098). Algorithms developed to predict the effect of sequence changes on RNA splicing suggest that this variant may disrupt the consensus splice site. In summary, the available evidence is currently insufficient to determine the role of this variant in disease. Therefore, it has been classified as a Variant of Uncertain Significance.

Literature cited by the submitters: PubMed 17576681; PubMed 9536098.

NM_000095.3(COMP):c.1914G>C (p.Lys638Asn)

Gene: COMP (cartilage oligomeric matrix protein; minus strand). Cytogenetic location: 19p13.11.
Variant type: single nucleotide variant.
Coding change: c.1914G>C on transcript NM_000095.3 (MANE Select); coding-DNA position 1914, G replaced by C.
Protein change: p.Lys638Asn; replaces lysine 638 with asparagine.
Molecular consequence: missense variant.
Genome position (GRCh38, 1-based): chr19:18,784,896, C>G on the plus strand (G>C on the coding strand, the complement: COMP is on the minus strand). VCF-style: chr19-18784896-C-G. GRCh37 (hg19) VCF-style: chr19-18895706-C-G.
Other names: short protein forms K638N.
Identifiers: ClinVar variation 2772129 (VCV002772129.3), dbSNP rs2512845444, ClinGen allele CA404877702.
Genomic context (GRCh38, chr19:18,784,896, plus strand): 5'-TACGGAGGGTCATGGGAGGGCATGAGGACCGCAGAGGTCAGGCACGGACGGCCCTGGCAC[C>G]TTGAGTTGGATGCCAGGCTCGGCCACAGCACGGAAGGGGTTCGCCTGCCAATACGTTTGC-3'
Protein context (NP_000086.2, residues 628-648): RAVAEPGIQL[Lys638Asn]AVKSSTGPGE